The following is an entry in ClinVar:

ClinVar aggregate classification (germline): Uncertain significance (1 of 4 stars; one submission).

Submission:

GeneDx
Classification: Uncertain significance. Last evaluated: 2023-12-29. Review status: criteria provided, single submitter. Criteria: GeneDx Variant Classification Process June 2021. Collection method: clinical testing. Allele origin: germline. Affected: yes.
Comment: Frameshift variant predicted to result in protein truncation or nonsense mediated decay in a gene or region of a gene for which loss of function is not a well-established mechanism of disease; Not observed at significant frequency in large population cohorts (gnomAD); Has not been previously published as pathogenic or benign to our knowledge

NM_001386135.1(AFF3):c.2258_2259del (p.Leu753fs)

Gene: AFF3 (ALF transcription elongation factor 3; minus strand). Cytogenetic location: 2q11.2.
Variant type: Deletion.
Coding change: c.2258_2259del on transcript NM_001386135.1 (MANE Select); coding-DNA positions 2258 to 2259, 2 bases deleted (TT; older notation c.2258_2259delTT).
Protein change: p.Leu753fs; shifts the reading frame from leucine 753.
Molecular consequence: frameshift variant.
Genome position (GRCh38, 1-based): chr2:99,593,402-99,593,403, AA deleted on the plus strand (TT on the coding strand, the reverse complement: AFF3 is on the minus strand). VCF-style (leftmost placement, unchanged base first): chr2-99593401-GAA-G. GRCh37 (hg19) VCF-style: chr2-100209863-GAA-G.
Other names: c.2333_2334del, p.Leu778fs (NM_001025108.2); c.2258_2259del, p.Leu753fs (NM_002285.3); short protein forms L753fs, L778fs.
Identifiers: ClinVar variation 3370231 (VCV003370231.1).